The following is an entry in ClinVar:

ClinVar aggregate classification (germline): Pathogenic (1 of 4 stars; one submission).

Submission:

Labcorp Genetics (formerly Invitae), Labcorp
Classification: Pathogenic. Last evaluated: 2022-07-05. Review status: criteria provided, single submitter. Criteria: Invitae Variant Classification Sherloc (09022015). Collection method: clinical testing. Allele origin: germline.
Comment: This sequence change creates a premature translational stop signal (p.Ile1577Valfs*79) in the PAPPA2 gene. It is expected to result in an absent or disrupted protein product. Loss-of-function variants in PAPPA2 are known to be pathogenic (PMID: 26902202, 30977789). This variant is not present in population databases (gnomAD no frequency). This variant has not been reported in the literature in individuals affected with PAPPA2-related conditions. Algorithms developed to predict the effect of sequence changes on RNA splicing suggest that this variant may create or strengthen a splice site. For these reasons, this variant has been classified as Pathogenic.

Literature cited by the submitters: PubMed 26902202; PubMed 30977789.

NM_020318.3(PAPPA2):c.4729_4744del (p.Ile1577fs)

Gene: PAPPA2 (pappalysin 2; plus strand). Cytogenetic location: 1q25.2.
Variant type: Deletion.
Coding change: c.4729_4744del on transcript NM_020318.3 (MANE Select); coding-DNA positions 4729 to 4744, 16 bases deleted (ATACAATGCCTGGAAG).
Protein change: p.Ile1577fs; shifts the reading frame from isoleucine 1577.
Molecular consequence: frameshift variant.
Genome position (GRCh38, 1-based): chr1:176,789,822-176,789,837, ATACAATGCCTGGAAG deleted; deleting any 16 consecutive bases within chr1:176,789,818-176,789,837 gives the same sequence; the c. name uses the placement nearest the transcript's 3' end. VCF-style (leftmost placement, unchanged base first): chr1-176789817-TGAAGATACAATGCCTG-T. GRCh37 (hg19) VCF-style: chr1-176758953-TGAAGATACAATGCCTG-T.
Other names: short protein forms I1577fs.
Identifiers: ClinVar variation 2186891 (VCV002186891.1), dbSNP rs1665095845, ClinGen allele CA1009476891.